The following is an entry in ClinVar:

ClinVar aggregate classification (germline): Likely benign (0 of 4 stars; one submission).

Conditions:
Delayed speech and language development. Also called: Language delay. Identifiers: MedGen C0454644, HP:0000750.

Submission:

Institute of Human Genetics, University of Goettingen
Classification: Likely benign for Delayed speech and language development. Last evaluated: 2019-04-04. Review status: no assertion criteria provided. Collection method: clinical testing. Allele origin: paternal. Inheritance: Autosomal dominant inheritance. Affected: yes. Observed: 1 variant allele.

GRCh37/hg19 1p31.1(chr1:84264954-84731653)x1

Genes: PRKACB (protein kinase cAMP-activated catalytic subunit beta; plus strand), TTLL7 (tubulin tyrosine ligase like 7; minus strand). Cytogenetic location: 1p31.1.
Variant type: copy number loss.
Change: copy number 1 (one copy instead of two) of chr1:84,264,954-84,731,653 (466.7 kb, GRCh37 coordinates, 1-based), cytogenetic band 1p31.1.
Identifiers: ClinVar variation 635770 (VCV000635770.2).